The following is an entry in ClinVar:

NM_015030.2(FRYL):c.492-2A>G

Gene: FRYL (FRY like transcription coactivator; minus strand). Cytogenetic location: 4p11.
Variant type: single nucleotide variant.
Coding change: c.492-2A>G on transcript NM_015030.2 (MANE Select); the canonical splice acceptor site of the intron before coding-DNA position 492, A replaced by G.
Molecular consequence: splice acceptor variant.
Genome position (GRCh38, 1-based): chr4:48,609,069, T>C on the plus strand (A>G on the coding strand, the complement: FRYL is on the minus strand). VCF-style: chr4-48609069-T-C. GRCh37 (hg19) VCF-style: chr4-48611086-T-C.
Identifiers: ClinVar variation 4260124 (VCV004260124.2).

ClinVar aggregate classification (germline): Uncertain significance (1 of 4 stars; one submission).

Submission:

Ambry Genetics
Classification: Uncertain significance. Last evaluated: 2025-10-03. Review status: criteria provided, single submitter. Criteria: Ambry Variant Classification Scheme 2023. Collection method: clinical testing. Allele origin: germline.
Comment: The c.492-2A>G intronic variant results from an A to G substitution two nucleotides before coding exon 6 of the FRYL gene. Alterations that disrupt the canonical splice site are expected to result in aberrant splicing. This variant was not reported in population-based cohorts in the Genome Aggregation Database (gnomAD). This nucleotide position is highly conserved in available vertebrate species. RNA studies have demonstrated that this alteration results in a splice defect; the clinical impact of this abnormal splicing is unknown at this time (Ambry internal data). In silico splice site analysis predicts that this alteration will weaken the native splice acceptor site and will result in the creation or strengthening of a novel splice acceptor site. Based on insufficient or conflicting evidence, the clinical significance of this alteration remains unclear.